The following is an entry in ClinVar:

NM_020778.5(ALPK3):c.-46C>T

Gene: ALPK3 (alpha kinase 3; plus strand). Cytogenetic location: 15q25.3.
Variant type: single nucleotide variant.
Coding change: c.-46C>T on transcript NM_020778.5 (MANE Select); 46 bases upstream of the start codon, C replaced by T.
Molecular consequence: 5 prime UTR variant.
Genome position (GRCh38, 1-based): chr15:84,817,407, C>T. VCF-style: chr15-84817407-C-T. GRCh37 (hg19) VCF-style: chr15-85360638-C-T.
Identifiers: ClinVar variation 4797106 (VCV004797106.1).
Genomic context (GRCh38, chr15:84,817,407, plus strand): 5'-GCCGCGGGCGGGAGCGGCGGCGGCGGGCAGGGGCCCGGGGGCCGGGGCCTGGAGGACAGG[C>T]GAGGCAGCGGCGAGTGCGGGGCCGGCGGTCGGGGAGGGCGGTGCCATGGGGTCGCGGAGG-3'

ClinVar aggregate classification (germline): Uncertain significance (1 of 4 stars; one submission).

Submission:

Labcorp Genetics (formerly Invitae), Labcorp
Classification: Uncertain significance. Last evaluated: 2025-10-03. Review status: criteria provided, single submitter. Criteria: Invitae Variant Classification Sherloc (09022015). Collection method: clinical testing. Allele origin: germline.
Comment: This sequence change affects codon 187 of the ALPK3 mRNA. It is a 'silent' change, meaning that it does not change the encoded amino acid sequence of the ALPK3 protein. This variant is not present in population databases (gnomAD no frequency). This variant has not been reported in the literature in individuals affected with ALPK3-related conditions. Algorithms developed to predict the effect of sequence changes on RNA splicing suggest that this variant may create or strengthen a splice site. In summary, the available evidence is currently insufficient to determine the role of this variant in disease. Therefore, it has been classified as a Variant of Uncertain Significance.